The following is an entry in ClinVar:

NM_014028.4(OSTM1):c.503A>G (p.Glu168Gly)

Gene: OSTM1 (osteoclastogenesis associated transmembrane protein 1; minus strand). Cytogenetic location: 6q21.
Variant type: single nucleotide variant.
Coding change: c.503A>G on transcript NM_014028.4 (MANE Select); coding-DNA position 503, A replaced by G.
Protein change: p.Glu168Gly; replaces glutamic acid 168 with glycine.
Molecular consequence: missense variant.
Genome position (GRCh38, 1-based): chr6:108,064,199, T>C on the plus strand (A>G on the coding strand, the complement: OSTM1 is on the minus strand). VCF-style: chr6-108064199-T-C. GRCh37 (hg19) VCF-style: chr6-108385403-T-C.
Other names: short protein forms E168G.
Identifiers: ClinVar variation 1417185 (VCV001417185.3), dbSNP rs1308060495, ClinGen allele CA365329083.

ClinVar aggregate classification (germline): Uncertain significance (1 of 4 stars; one submission).

Allele frequency attached by ClinVar (database versions not stated): gnomAD exomes below 0.00001 and 0.00005.
gnomAD v4.1: 66 of 1,556,618 alleles (0.0042%); highest among the groups gnomAD compares: Non-Finnish European, 0.0058%; no homozygotes.

Submission:

Labcorp Genetics (formerly Invitae), Labcorp
Classification: Uncertain significance. Last evaluated: 2022-03-30. Review status: criteria provided, single submitter. Criteria: Invitae Variant Classification Sherloc (09022015). Collection method: clinical testing. Allele origin: germline.
Comment: This sequence change replaces glutamic acid, which is acidic and polar, with glycine, which is neutral and non-polar, at codon 168 of the OSTM1 protein (p.Glu168Gly). The frequency data for this variant in the population databases is considered unreliable, as metrics indicate poor data quality at this position in the gnomAD database. This variant has not been reported in the literature in individuals affected with OSTM1-related conditions. Algorithms developed to predict the effect of missense changes on protein structure and function (SIFT, PolyPhen-2, Align-GVGD) all suggest that this variant is likely to be tolerated. In summary, the available evidence is currently insufficient to determine the role of this variant in disease. Therefore, it has been classified as a Variant of Uncertain Significance.